The following is an entry in ClinVar:

NM_030962.4(SBF2):c.4118T>A (p.Phe1373Tyr)

Gene: SBF2 (SET binding factor 2; minus strand). Cytogenetic location: 11p15.4.
Variant type: single nucleotide variant.
Coding change: c.4118T>A on transcript NM_030962.4 (MANE Select); coding-DNA position 4118, T replaced by A.
Protein change: p.Phe1373Tyr; replaces phenylalanine 1373 with tyrosine.
Molecular consequence: missense variant.
Genome position (GRCh38, 1-based): chr11:9,812,569, A>T on the plus strand (T>A on the coding strand, the complement: SBF2 is on the minus strand). VCF-style: chr11-9812569-A-T. GRCh37 (hg19) VCF-style: chr11-9834116-A-T.
Other names: c.4214T>A, p.Phe1405Tyr (NM_001386339.1); c.3989T>A, p.Phe1330Tyr (NM_001386342.1); short protein forms F1330Y, F1373Y, F1405Y.
Identifiers: ClinVar variation 1039339 (VCV001039339.8), dbSNP rs753564262, ClinGen allele CA5881060.
Genomic context (GRCh38, chr11:9,812,569, plus strand): 5'-AAAGAAGCTGCTTCAGACATTACCTGTGGGAACCACTCAGAATCTCCCAGCGCTTTCAGG[A>T]AGGTCACTTCTGAGTCAGTAGGGATGGTGCTTGGGATACAAGCCCTCATCAGCTTCTTAA-3'
Protein context (NP_112224.1, residues 1363-1383): STIPTDSEVT[Phe1373Tyr]LKALGDSEWF

ClinVar aggregate classification (germline): Uncertain significance. Review status: criteria provided, multiple submitters, no conflicts (2 of 4 stars). 2 submissions from 2 submitters: Uncertain significance (2). Last evaluated 2021-08-26.

Conditions:
Inborn genetic diseases. Identifiers: MedGen C0950123, MeSH D030342.
Charcot-Marie-Tooth disease type 4. Also called: Charcot-Marie-Tooth, Type 4; Charcot-Marie-Tooth disease, type IV. Identifiers: Orphanet 64749, MedGen C4082197, MONDO:0018995.

Allele frequency attached by ClinVar (database versions not stated): TOPMed 0.00001; gnomAD exomes below 0.00001; ExAC 0.00001; gnomAD 0.00001.
gnomAD v4.1: 18 of 1,614,106 alleles (0.0011%); highest among the groups gnomAD compares: Non-Finnish European, 0.0014%; no homozygotes.

Submissions (2):

Labcorp Genetics (formerly Invitae), Labcorp
Classification: Uncertain significance for Charcot-Marie-Tooth disease type 4. Last evaluated: 2021-08-26. Review status: criteria provided, single submitter. Criteria: Invitae Variant Classification Sherloc (09022015). Collection method: clinical testing. Allele origin: germline.
Comment: This sequence change replaces phenylalanine with tyrosine at codon 1373 of the SBF2 protein (p.Phe1373Tyr). The phenylalanine residue is highly conserved and there is a small physicochemical difference between phenylalanine and tyrosine. This variant is present in population databases (rs753564262, ExAC 0.001%). This variant has not been reported in the literature in individuals affected with SBF2-related conditions. Algorithms developed to predict the effect of missense changes on protein structure and function are either unavailable or do not agree on the potential impact of this missense change (SIFT: "Deleterious"; PolyPhen-2: "Benign"; Align-GVGD: "Class C0"). In summary, the available evidence is currently insufficient to determine the role of this variant in disease. Therefore, it has been classified as a Variant of Uncertain Significance.

Ambry Genetics
Classification: Uncertain significance for Inborn genetic diseases. Last evaluated: 2021-05-24. Review status: criteria provided, single submitter. Criteria: Ambry Variant Classification Scheme 2023. Collection method: clinical testing. Allele origin: germline.
Comment: The p.F1373Y variant (also known as c.4118T>A), located in coding exon 30 of the SBF2 gene, results from a T to A substitution at nucleotide position 4118. The phenylalanine at codon 1373 is replaced by tyrosine, an amino acid with highly similar properties. This amino acid position is highly conserved in available vertebrate species. In addition, this alteration is predicted to be deleterious by in silico analysis. Since supporting evidence is limited at this time, the clinical significance of this alteration remains unclear.